The following is an entry in ClinVar:

NM_030773.4(TUBB1):c.1115C>A (p.Thr372Lys)

Gene: TUBB1 (tubulin beta 1 class VI; plus strand). Cytogenetic location: 20q13.32.
Variant type: single nucleotide variant.
Coding change: c.1115C>A on transcript NM_030773.4 (MANE Select); coding-DNA position 1115, C replaced by A.
Protein change: p.Thr372Lys; replaces threonine 372 with lysine.
Molecular consequence: missense variant.
Genome position (GRCh38, 1-based): chr20:59,024,542, C>A. VCF-style: chr20-59024542-C-A. GRCh37 (hg19) VCF-style: chr20-57599597-C-A.
Other names: short protein forms T372K.
Identifiers: ClinVar variation 4782099 (VCV004782099.1).

ClinVar aggregate classification (germline): Uncertain significance (1 of 4 stars; one submission).

gnomAD v4.1: 2 of 1,614,216 alleles (0.00012%); highest among the groups gnomAD compares: Admixed American, 0.0033%; no homozygotes.

Submission:

Labcorp Genetics (formerly Invitae), Labcorp
Classification: Uncertain significance. Last evaluated: 2025-05-25. Review status: criteria provided, single submitter. Criteria: Invitae Variant Classification Sherloc (09022015). Collection method: clinical testing. Allele origin: germline.
Comment: This sequence change replaces threonine, which is neutral and polar, with lysine, which is basic and polar, at codon 372 of the TUBB1 protein (p.Thr372Lys). This variant is present in population databases (no rsID available, gnomAD 0.006%). This variant has not been reported in the literature in individuals affected with TUBB1-related conditions. Invitae Evidence Modeling of protein sequence and biophysical properties (such as structural, functional, and spatial information, amino acid conservation, physicochemical variation, residue mobility, and thermodynamic stability) indicates that this missense variant is expected to disrupt TUBB1 protein function with a positive predictive value of 80%. In summary, the available evidence is currently insufficient to determine the role of this variant in disease. Therefore, it has been classified as a Variant of Uncertain Significance.